The following is an entry in ClinVar:

ClinVar aggregate classification (germline): Likely benign (0 of 4 stars; one submission).

Conditions:
RRAS-related disorder. Also called: RRAS-related condition.

Submission:

PreventionGenetics, part of Exact Sciences
Classification: Likely benign for RRAS-related condition. Last evaluated: 2020-01-09. Review status: no assertion criteria provided. Collection method: clinical testing. Allele origin: germline.
Comment: This variant is classified as likely benign based on ACMG/AMP sequence variant interpretation guidelines (Richards et al. 2015 PMID: 25741868, with internal and published modifications).

NM_006270.5(RRAS):c.54A>C (p.Gly18=)

Gene: RRAS (RAS related; minus strand). Cytogenetic location: 19q13.33.
Variant type: single nucleotide variant.
Coding change: c.54A>C on transcript NM_006270.5 (MANE Select); coding-DNA position 54, A replaced by C.
Protein change: p.Gly18=; no amino-acid change (glycine 18 retained).
Molecular consequence: synonymous variant.
Genome position (GRCh38, 1-based): chr19:49,640,045, T>G on the plus strand (A>C on the coding strand, the complement: RRAS is on the minus strand). VCF-style: chr19-49640045-T-G. GRCh37 (hg19) VCF-style: chr19-50143302-T-G.
Identifiers: ClinVar variation 3039001 (VCV003039001.2), dbSNP rs571103858, ClinGen allele CA508131262.
Genomic context (GRCh38, chr19:49,640,045, plus strand): 5'-GCCGCCGCCCACGACCACCAGCTTGTGTGTCTCGCTGGGCGGGGGGTCCCCGGGCCCAGG[T>G]CCCCCGCCCCGGGGCCGCCCCCGCCCTGTCCCGGACGCCGCCCCGCTGCTCATGTCGCCA-3'
Protein context (NP_006261.1, residues 8-28): GTGRGRPRGG[Gly18=]PGPGDPPPSE